The following is an entry in ClinVar:

ClinVar aggregate classification (germline): Uncertain significance. Review status: criteria provided, multiple submitters, no conflicts (2 of 4 stars). 2 submissions from 2 submitters: Uncertain significance (2). Last evaluated 2022-09-15.

Allele frequency attached by ClinVar (database versions not stated): gnomAD exomes below 0.00001.
gnomAD v4.1: 2 of 1,612,592 alleles (0.00012%); highest among the groups gnomAD compares: Non-Finnish European, 0.00017%; no homozygotes.

Submissions (2):

Labcorp Genetics (formerly Invitae), Labcorp
Classification: Uncertain significance. Last evaluated: 2022-09-15. Review status: criteria provided, single submitter. Criteria: Invitae Variant Classification Sherloc (09022015). Collection method: clinical testing. Allele origin: germline.
Comment: This sequence change replaces lysine, which is basic and polar, with asparagine, which is neutral and polar, at codon 1665 of the COL11A1 protein (p.Lys1665Asn). This variant is not present in population databases (gnomAD no frequency). This variant has not been reported in the literature in individuals affected with COL11A1-related conditions. Advanced modeling of protein sequence and biophysical properties (such as structural, functional, and spatial information, amino acid conservation, physicochemical variation, residue mobility, and thermodynamic stability) performed at Invitae indicates that this missense variant is not expected to disrupt COL11A1 protein function. In summary, the available evidence is currently insufficient to determine the role of this variant in disease. Therefore, it has been classified as a Variant of Uncertain Significance.

Blueprint Genetics
Classification: Uncertain significance. Last evaluated: 2022-06-16. Review status: criteria provided, single submitter. Criteria: ACMG Guidelines, 2015. Collection method: clinical testing. Allele origin: germline.

NM_001854.4(COL11A1):c.4995G>T (p.Lys1665Asn)

Gene: COL11A1 (collagen type XI alpha 1 chain; minus strand). Cytogenetic location: 1p21.1.
Variant type: single nucleotide variant.
Coding change: c.4995G>T on transcript NM_001854.4 (MANE Select); coding-DNA position 4995, G replaced by T.
Protein change: p.Lys1665Asn; replaces lysine 1665 with asparagine.
Molecular consequence: missense variant. On other transcripts: non-coding transcript variant (1).
Genome position (GRCh38, 1-based): chr1:102,881,742, C>A on the plus strand (G>T on the coding strand, the complement: COL11A1 is on the minus strand). VCF-style: chr1-102881742-C-A. GRCh37 (hg19) VCF-style: chr1-103347298-C-A.
Other names: c.4647G>T, p.Lys1549Asn (NM_001168249.1, NM_080630.4); c.4878G>T, p.Lys1626Asn (NM_001190709.2); c.5031G>T, p.Lys1677Asn (NM_080629.3); short protein forms K1549N, K1626N, K1665N, K1677N.
Identifiers: ClinVar variation 2190997 (VCV002190997.5), dbSNP rs2524179888, ClinGen allele CA341211362.